The following is an entry in ClinVar:

ClinVar aggregate classification (germline): Likely benign (1 of 4 stars; one submission).

Allele frequency attached by ClinVar (database versions not stated): gnomAD exomes 0.00002; ExAC 0.00003; ESP Exome Variant Server 0.00008.
gnomAD v4.1: 59 of 1,608,998 alleles (0.0037%); highest among the groups gnomAD compares: African/African-American, 0.067%; no homozygotes.

Submission:

CeGaT Center for Human Genetics Tuebingen
Classification: Likely benign. Last evaluated: 2023-04-01. Review status: criteria provided, single submitter. Criteria: CeGaT Center For Human Genetics Tuebingen Variant Classification Criteria Version 2. Collection method: clinical testing. Allele origin: germline. Affected: yes. Observed: 1 variant allele.
Comment: TANC2: BP4, BP7

NM_001394998.1(TANC2):c.3420A>T (p.Arg1140=)

Genes: TANC2 (tetratricopeptide repeat, ankyrin repeat and coiled-coil containing 2; plus strand), LOC105371856 (uncharacterized LOC105371856; minus strand). Cytogenetic location: 17q23.3.
Variant type: single nucleotide variant.
Coding change: c.3420A>T on transcript NM_001394998.1 (MANE Select); coding-DNA position 3420, A replaced by T.
Protein change: p.Arg1140=; no amino-acid change (arginine 1140 retained).
Molecular consequence: synonymous variant.
Genome position (GRCh38, 1-based): chr17:63,405,210, A>T. VCF-style: chr17-63405210-A-T. GRCh37 (hg19) VCF-style: chr17-61482571-A-T.
Other names: c.3198A>T, p.Arg1066= (NM_001411076.1, NM_025185.4).
Identifiers: ClinVar variation 2648058 (VCV002648058.24), dbSNP rs373966656, ClinGen allele CA8697988.